The following is an entry in ClinVar:

NM_000417.3(IL2RA):c.700A>G (p.Ile234Val)

Gene: IL2RA (interleukin 2 receptor subunit alpha; minus strand). Cytogenetic location: 10p15.1.
Variant type: single nucleotide variant.
Coding change: c.700A>G on transcript NM_000417.3 (MANE Select); coding-DNA position 700, A replaced by G.
Protein change: p.Ile234Val; replaces isoleucine 234 with valine.
Molecular consequence: missense variant.
Genome position (GRCh38, 1-based): chr10:6,019,455, T>C on the plus strand (A>G on the coding strand, the complement: IL2RA is on the minus strand). VCF-style: chr10-6019455-T-C. GRCh37 (hg19) VCF-style: chr10-6061418-T-C.
Other names: c.484A>G, p.Ile162Val (NM_001308242.2); c.412A>G, p.Ile138Val (NM_001308243.2); short protein forms I234V, I138V, I162V.
Identifiers: ClinVar variation 576130 (VCV000576130.7), dbSNP rs375756091, ClinGen allele CA5397345.
Genomic context (GRCh38, chr10:6,019,455, plus strand): 5'-ACATTTTGTCCACAAAGCCAGTGCCCCACTCACCTGCTACCTGGTACTCTGTTGTAAATA[T>C]GGACGTCTCCATGGTTGCAGCCATTTCTGTCTGTATTTGAAAATCTGTGAAAAAGAGATA-3'
Protein context (NP_000408.1, residues 224-244): TEMAATMETS[Ile234Val]FTTEYQVAVA

ClinVar aggregate classification (germline): Uncertain significance. Review status: criteria provided, multiple submitters, no conflicts (2 of 4 stars). 2 submissions from 2 submitters: Uncertain significance (2). Last evaluated 2022-06-26.

Conditions:
Immunodeficiency due to CD25 deficiency. Also called: CD25 DEFICIENCY; IL2RA DEFICIENCY; IMMUNODEFICIENCY 41 WITH LYMPHOPROLIFERATION AND AUTOIMMUNITY. Identifiers: Orphanet 169100, MedGen C1853392, MONDO:0011664, OMIM 606367.

Allele frequency attached by ClinVar (database versions not stated): TOPMed below 0.00001; ExAC 0.00001; gnomAD exomes 0.00001.
gnomAD v4.1: 8 of 1,613,746 alleles (0.0005%); highest among the groups gnomAD compares: Non-Finnish European, 0.00059%; no homozygotes.

Submissions (2):

Labcorp Genetics (formerly Invitae), Labcorp
Classification: Uncertain significance for Immunodeficiency due to CD25 deficiency. Last evaluated: 2022-06-26. Review status: criteria provided, single submitter. Criteria: Invitae Variant Classification Sherloc (09022015). Collection method: clinical testing. Allele origin: germline.
Comment: This sequence change replaces isoleucine, which is neutral and non-polar, with valine, which is neutral and non-polar, at codon 234 of the IL2RA protein (p.Ile234Val). This variant is present in population databases (rs375756091, gnomAD 0.006%). This variant has not been reported in the literature in individuals affected with IL2RA-related conditions. ClinVar contains an entry for this variant (Variation ID: 576130). Algorithms developed to predict the effect of missense changes on protein structure and function output the following: SIFT: "Tolerated"; PolyPhen-2: "Benign"; Align-GVGD: "Class C0". The valine amino acid residue is found in multiple mammalian species, which suggests that this missense change does not adversely affect protein function. In summary, the available evidence is currently insufficient to determine the role of this variant in disease. Therefore, it has been classified as a Variant of Uncertain Significance.

Blueprint Genetics
Classification: Uncertain significance. Last evaluated: 2018-05-12. Review status: criteria provided, single submitter. Criteria: ACMG Guidelines, 2015. Collection method: clinical testing. Allele origin: germline.